The following is an entry in ClinVar:

NM_007294.4(BRCA1):c.5473G>A (p.Gly1825Arg)

Gene: BRCA1 (BRCA1 DNA repair associated; minus strand). Cytogenetic location: 17q21.31.
Variant type: single nucleotide variant.
Coding change: c.5473G>A on transcript NM_007294.4 (MANE Select); coding-DNA position 5473, G replaced by A.
Protein change: p.Gly1825Arg; replaces glycine 1825 with arginine.
Molecular consequence: missense variant. On other transcripts: nonsense (17), non-coding transcript variant (1).
Genome position (GRCh38, 1-based): chr17:43,045,797, C>T on the plus strand (G>A on the coding strand, the complement: BRCA1 is on the minus strand). VCF-style: chr17-43045797-C-T. GRCh37 (hg19) VCF-style: chr17-41197814-C-T.
Other names: 5592G>A; c.5260G>A, p.Gly1754Arg (NM_001407571.1, NM_001407894.1, NM_001407895.1 and 12 more transcripts); c.5539G>A, p.Gly1847Arg (NM_001407581.1, NM_001407582.1); c.5536G>A, p.Gly1846Arg (NM_001407583.1, NM_001407585.1, NM_001407587.1 and 1 more transcripts); c.5533G>A, p.Gly1845Arg (NM_001407590.1, NM_001407591.1); c.5473G>A, p.Gly1825Arg (NM_001407593.1, NM_001407594.1, NM_001407596.1 and 5 more transcripts); c.5470G>A, p.Gly1824Arg (NM_001407610.1, NM_001407611.1, NM_001407622.1 and 14 more transcripts); c.5467G>A, p.Gly1823Arg (NM_001407627.1, NM_001407628.1, NM_001407629.1 and 13 more transcripts); and 84 more; short protein forms G1825R, W696*, G721R, G1778R, G1846R, G1529R, G1698R, G1712R.
Identifiers: ClinVar variation 91654 (VCV000091654.23), dbSNP rs398122700, ClinGen allele CA003637.
Genomic context (GRCh38, chr17:43,045,797, plus strand): 5'-AGAGTGCTACACTGTCCAACACCCACTCTCGGGTCACCACAGGTGCCTCACACATCTGCC[C>T]AATTGCTGGAGACAGAGAACACAAGCAGAGATTAGTGTCAATTCATTCTCCTGGACTAGG-3'
Protein context (NP_009225.1, residues 1815-1835): WTEDNGFHAI[Gly1825Arg]QMCEAPVVTR

ClinVar aggregate classification (germline): Conflicting classifications of pathogenicity. Review status: criteria provided, conflicting classifications (1 of 4 stars). 6 submissions from 6 submitters: Uncertain significance (4); Likely benign (1). 1 of the submissions does not count toward it. Last evaluated 2025-07-29.

Conditions:
Breast-ovarian cancer, familial, susceptibility to, 1 (BROVCA1). Also called: BRCA1 Hereditary Breast and Ovarian Cancer; OVARIAN CANCER, SUSCEPTIBILITY TO. Identifiers: Orphanet 145, MedGen C2676676, MONDO:0011450, OMIM 604370. Disease mechanism: loss of function.
Hereditary cancer-predisposing syndrome. Also called: Hereditary Cancer Syndrome; Neoplastic Syndromes, Hereditary; Hereditary neoplastic syndrome; Tumor predisposition. Identifiers: Orphanet 140162, MedGen C0027672, MeSH D009386, MONDO:0015356.
Hereditary breast ovarian cancer syndrome. Also called: Hereditary breast and/or ovarian cancer syndrome; Hereditary breast and ovarian cancer syndrome; Hereditary breast and ovarian cancer; Hereditary breast and ovarian cancer syndrome (HBOC); Breast and ovarian cancer; BRCA1- and BRCA2-Associated Hereditary Breast and Ovarian Cancer. Identifiers: Orphanet 145, MedGen C0677776, MeSH D061325, MONDO:0003582. Disease mechanism: loss of function.

Allele frequency attached by ClinVar (database versions not stated): gnomAD exomes below 0.00001; TOPMed below 0.00001.
gnomAD v4.1: 1 of 1,613,490 alleles (0.000062%); highest among the groups gnomAD compares: South Asian, 0.0011%; no homozygotes.

Submissions (7):

Myriad Genetics, Inc.
Classification: Likely benign for Breast-ovarian cancer, familial, susceptibility to, 1. Last evaluated: 2025-07-29. Review status: criteria provided, single submitter. Criteria: Myriad Autosomal Dominant, Autosomal Recessive and X-Linked Classification Criteria (2023). Collection method: clinical testing. Allele origin: unknown.
Comment: This variant is considered likely benign. This variant is strongly associated with less severe personal and family histories of cancer, typical for individuals without pathogenic variants in this gene [PMID: 25085752].

Labcorp Genetics (formerly Invitae), Labcorp
Classification: Uncertain significance for Hereditary breast ovarian cancer syndrome. Last evaluated: 2025-04-17. Review status: criteria provided, single submitter. Criteria: Invitae Variant Classification Sherloc (09022015). Collection method: clinical testing. Allele origin: germline.
Comment: This sequence change replaces glycine, which is neutral and non-polar, with arginine, which is basic and polar, at codon 1825 of the BRCA1 protein (p.Gly1825Arg). This variant is not present in population databases (gnomAD no frequency). This variant has not been reported in the literature in individuals affected with BRCA1-related conditions. ClinVar contains an entry for this variant (Variation ID: 91654). Invitae Evidence Modeling incorporating data from in vitro experimental studies (PMID: 30209399) indicates that this missense variant is not expected to disrupt BRCA1 function with a negative predictive value of 95%. Experimental studies have shown that this missense change does not substantially affect BRCA1 function (PMID: 30209399). In summary, the available evidence is currently insufficient to determine the role of this variant in disease. Therefore, it has been classified as a Variant of Uncertain Significance.

Ambry Genetics
Classification: Uncertain significance for Hereditary cancer-predisposing syndrome. Last evaluated: 2025-02-14. Review status: criteria provided, single submitter. Criteria: Ambry Variant Classification Scheme 2023. Collection method: clinical testing. Allele origin: germline.
Comment: The p.G1825R variant (also known as c.5473G>A), located in coding exon 22 of the BRCA1 gene, results from a G to A substitution at nucleotide position 5473. The glycine at codon 1825 is replaced by arginine, an amino acid with dissimilar properties. One functional study found that this nucleotide substitution is functional in a high throughput genome editing haploid cell survival assay (Findlay GM et al. Nature, 2018 10;562:217-222). This amino acid position is not well conserved in available vertebrate species. In addition, the in silico prediction for this alteration is inconclusive. Since supporting evidence is limited at this time, the clinical significance of this alteration remains unclear.

Baylor Genetics
Classification: Uncertain significance for Breast-ovarian cancer, familial, susceptibility to, 1. Last evaluated: 2024-03-27. Review status: criteria provided, single submitter. Criteria: ACMG Guidelines, 2015. Collection method: clinical testing. Allele origin: unknown.

GeneDx
Classification: Uncertain significance. Last evaluated: 2022-11-09. Review status: criteria provided, single submitter. Criteria: GeneDx Variant Classification Process June 2021. Collection method: clinical testing. Allele origin: germline. Affected: yes.
Comment: Not observed at significant frequency in large population cohorts (gnomAD); In silico analysis supports that this missense variant does not alter protein structure/function; Published functional studies demonstrate no damaging effect: variant classified as functional based on a saturation genome editing (SGE) assay measuring cell survival (Findlay et al., 2018); Also known as 5592G>A; This variant is associated with the following publications: (PMID: 30209399, 25348405)

Sharing Clinical Reports Project (SCRP)
Classification: Uncertain significance for Breast-ovarian cancer, familial 1. Last evaluated: 2011-10-04. Review status: no assertion criteria provided. Collection method: clinical testing. Allele origin: germline. Not counted in ClinVar's aggregate classification.

Brotman Baty Institute, University of Washington
No classification provided (evidence only). Condition: Breast-ovarian cancer, familial 1. Review status: no classification provided. Collection method: in vitro. Allele origin: not applicable. Functional consequence: functionally_normal. Not counted in ClinVar's aggregate classification.
ClinVar note: "not provided" was previously submitted as the classification for the variant. However, the classification appeared to be based only on an observation of functional data so it was converted to no classification on 2025-07-30.

Literature cited by the submitters: PubMed 25085752 (cited by Myriad Genetics, Inc.); PubMed 30209399 (cited by Labcorp Genetics (formerly Invitae), Labcorp and Ambry Genetics).